The following is an entry in ClinVar:

NM_001145358.2(SIN3A):c.2010G>A (p.Gln670=)

Gene: SIN3A (SIN3 transcription regulator family member A; minus strand). Cytogenetic location: 15q24.2.
Variant type: single nucleotide variant.
Coding change: c.2010G>A on transcript NM_001145358.2 (MANE Select); coding-DNA position 2010, G replaced by A.
Protein change: p.Gln670=; no amino-acid change (glutamine 670 retained).
Molecular consequence: synonymous variant.
Genome position (GRCh38, 1-based): chr15:75,396,341, C>T on the plus strand (G>A on the coding strand, the complement: SIN3A is on the minus strand). VCF-style: chr15-75396341-C-T. GRCh37 (hg19) VCF-style: chr15-75688682-C-T.
Other names: c.2010G>A, p.Gln670= (NM_001145357.2, NM_015477.3).
Identifiers: ClinVar variation 2645559 (VCV002645559.24), dbSNP rs2542610824, ClinGen allele CA491283268.

ClinVar aggregate classification (germline): Likely benign (1 of 4 stars; one submission).

Submission:

CeGaT Center for Human Genetics Tuebingen
Classification: Likely benign. Last evaluated: 2023-03-01. Review status: criteria provided, single submitter. Criteria: CeGaT Center For Human Genetics Tuebingen Variant Classification Criteria Version 2. Collection method: clinical testing. Allele origin: germline. Affected: yes. Observed: 1 variant allele.
Comment: SIN3A: PM2:Supporting, BP4, BP7